The following is an entry in ClinVar:

ClinVar aggregate classification (germline): Uncertain significance (1 of 4 stars; one submission).

Allele frequency attached by ClinVar (database versions not stated): gnomAD exomes below 0.00001; TOPMed below 0.00001.
gnomAD v4.1: 6 of 1,614,180 alleles (0.00037%); highest among the groups gnomAD compares: Non-Finnish European, 0.00034%; no homozygotes.

Submission:

Labcorp Genetics (formerly Invitae), Labcorp
Classification: Uncertain significance. Last evaluated: 2022-11-28. Review status: criteria provided, single submitter. Criteria: Invitae Variant Classification Sherloc (09022015). Collection method: clinical testing. Allele origin: germline.
Comment: In summary, the available evidence is currently insufficient to determine the role of this variant in disease. Therefore, it has been classified as a Variant of Uncertain Significance. Algorithms developed to predict the effect of missense changes on protein structure and function are either unavailable or do not agree on the potential impact of this missense change (SIFT: "Tolerated"; PolyPhen-2: "Probably Damaging"; Align-GVGD: "Class C0"). This variant has not been reported in the literature in individuals affected with DMXL2-related conditions. This variant is not present in population databases (gnomAD no frequency). This sequence change replaces serine, which is neutral and polar, with threonine, which is neutral and polar, at codon 1140 of the DMXL2 protein (p.Ser1140Thr).

NM_001378457.1(DMXL2):c.3419G>C (p.Ser1140Thr)

Gene: DMXL2 (Dmx like 2; minus strand). Cytogenetic location: 15q21.2.
Variant type: single nucleotide variant.
Coding change: c.3419G>C on transcript NM_001378457.1 (MANE Select); coding-DNA position 3419, G replaced by C.
Protein change: p.Ser1140Thr; replaces serine 1140 with threonine.
Molecular consequence: missense variant. On other transcripts: non-coding transcript variant (2), intron variant (2).
Genome position (GRCh38, 1-based): chr15:51,499,805, C>G on the plus strand (G>C on the coding strand, the complement: DMXL2 is on the minus strand). VCF-style: chr15-51499805-C-G. GRCh37 (hg19) VCF-style: chr15-51792002-C-G.
Other names: c.3419G>C, p.Ser1140Thr (NM_001174116.3, NM_001378458.1, NM_001378459.1 and 4 more transcripts); c.3179G>C, p.Ser1060Thr (NM_001378464.1); c.2764+7329G>C (NM_001378460.1); c.2765-4671G>C (NM_001174117.3); short protein forms S1060T, S1140T.
Identifiers: ClinVar variation 1905401 (VCV001905401.3), dbSNP rs1334659158, ClinGen allele CA392436464.